The following is an entry in ClinVar:

NM_206933.4(USH2A):c.6772A>G (p.Asn2258Asp)

Gene: USH2A (usherin; minus strand). Cytogenetic location: 1q41.
Variant type: single nucleotide variant.
Coding change: c.6772A>G on transcript NM_206933.4 (MANE Select); coding-DNA position 6772, A replaced by G.
Protein change: p.Asn2258Asp; replaces asparagine 2258 with aspartic acid.
Molecular consequence: missense variant.
Genome position (GRCh38, 1-based): chr1:215,993,053, T>C on the plus strand (A>G on the coding strand, the complement: USH2A is on the minus strand). VCF-style: chr1-215993053-T-C. GRCh37 (hg19) VCF-style: chr1-216166395-T-C.
Other names: short protein forms N2258D.
Identifiers: ClinVar variation 1057328 (VCV001057328.10), dbSNP rs2102476660, ClinGen allele CA344860297.

ClinVar aggregate classification (germline): Uncertain significance (1 of 4 stars; one submission).

Submission:

Labcorp Genetics (formerly Invitae), Labcorp
Classification: Uncertain significance. Last evaluated: 2022-03-10. Review status: criteria provided, single submitter. Criteria: Invitae Variant Classification Sherloc (09022015). Collection method: clinical testing. Allele origin: germline.
Comment: In summary, the available evidence is currently insufficient to determine the role of this variant in disease. Therefore, it has been classified as a Variant of Uncertain Significance. This sequence change replaces asparagine, which is neutral and polar, with aspartic acid, which is acidic and polar, at codon 2258 of the USH2A protein (p.Asn2258Asp). Algorithms developed to predict the effect of missense changes on protein structure and function (SIFT, PolyPhen-2, Align-GVGD) all suggest that this variant is likely to be tolerated. ClinVar contains an entry for this variant (Variation ID: 1057328). This variant has not been reported in the literature in individuals affected with USH2A-related conditions. This variant is not present in population databases (gnomAD no frequency).